The following is an entry in ClinVar:

NM_000135.4(FANCA):c.2568G>C (p.Leu856Phe)

Gene: FANCA (FA complementation group A; minus strand). Cytogenetic location: 16q24.3.
Variant type: single nucleotide variant.
Coding change: c.2568G>C on transcript NM_000135.4 (MANE Select); coding-DNA position 2568, G replaced by C.
Protein change: p.Leu856Phe; replaces leucine 856 with phenylalanine.
Molecular consequence: missense variant.
Genome position (GRCh38, 1-based): chr16:89,767,174, C>G on the plus strand (G>C on the coding strand, the complement: FANCA is on the minus strand). VCF-style: chr16-89767174-C-G. GRCh37 (hg19) VCF-style: chr16-89833582-C-G.
Other names: c.2568G>C, p.Leu856Phe (NM_001286167.3); short protein forms L856F.
Identifiers: ClinVar variation 134257 (VCV000134257.1), dbSNP rs587778314, ClinGen allele CA159281.
Genomic context (GRCh38, chr16:89,767,174, plus strand): 5'-GGAAAAATAGGAAAAGAGTGAACCTACCTTTTTAATAAGGCCTGGAGATAAGCAGCTGCA[C>G]AAAGTATCTCGTGACTGGGAAGAAAACTTGCAGAGAGAGTAAGAAATTGCTGCTGTACAA-3'
Protein context (NP_000126.2, residues 846-866): CKFSSQSRDT[Leu856Phe]CSCLSPGLIK

ClinVar aggregate classification (germline): not provided (0 of 4 stars; one submission).

Submission:

ITMI
No classification provided. Condition: AllHighlyPenetrant. Last evaluated: 2013-09-19. Review status: no classification provided. Collection method: reference population. Allele origin: germline.
Comment: Please see associated publication for description of ethnicities

Literature cited by the submitters: PubMed 24728327.